The following is an entry in ClinVar:

ClinVar aggregate classification (germline): Pathogenic (1 of 4 stars; one submission).

Submission:

Labcorp Genetics (formerly Invitae), Labcorp
Classification: Pathogenic. Last evaluated: 2022-09-29. Review status: criteria provided, single submitter. Criteria: Invitae Variant Classification Sherloc (09022015). Collection method: clinical testing. Allele origin: germline.
Comment: For these reasons, this variant has been classified as Pathogenic. This variant disrupts a region of the ELOVL4 protein in which other variant(s) ( p.Arg216*) have been determined to be pathogenic (PMID: 22100072). This suggests that this is a clinically significant region of the protein, and that variants that disrupt it are likely to be disease-causing. This variant has not been reported in the literature in individuals affected with ELOVL4-related conditions. This variant is not present in population databases (gnomAD no frequency). This sequence change creates a premature translational stop signal (p.Leu201Valfs*40) in the ELOVL4 gene. While this is not anticipated to result in nonsense mediated decay, it is expected to disrupt the last 114 amino acid(s) of the ELOVL4 protein.

Literature cited by the submitters: PubMed 22100072.

NM_022726.4(ELOVL4):c.600dup (p.Leu201fs)

Gene: ELOVL4 (ELOVL fatty acid elongase 4; minus strand). Cytogenetic location: 6q14.1.
Variant type: Duplication.
Coding change: c.600dup on transcript NM_022726.4 (MANE Select); coding-DNA position 600, one base duplicated (G; older notation c.600dupG).
Protein change: p.Leu201fs; shifts the reading frame from leucine 201.
Molecular consequence: frameshift variant.
Genome position (GRCh38, 1-based): chr6:79,919,489, C duplicated on the plus strand (G on the coding strand, the reverse complement: ELOVL4 is on the minus strand); the first of 3 consecutive C bases (chr6:79,919,489-79,919,491); duplicating any one gives the same sequence. VCF-style (leftmost placement, unchanged base first): chr6-79919488-A-AC. GRCh37 (hg19) VCF-style: chr6-80629205-A-AC.
Other names: short protein forms L201fs.
Identifiers: ClinVar variation 1924932 (VCV001924932.5), dbSNP rs2532971404, ClinGen allele CA2578677042.